The following is an entry in ClinVar:

NM_000632.4(ITGAM):c.934G>A (p.Val312Met)

Gene: ITGAM (integrin subunit alpha M; plus strand). Cytogenetic location: 16p11.2.
Variant type: single nucleotide variant.
Coding change: c.934G>A on transcript NM_000632.4 (MANE Select); coding-DNA position 934, G replaced by A.
Protein change: p.Val312Met; replaces valine 312 with methionine.
Molecular consequence: missense variant.
Genome position (GRCh38, 1-based): chr16:31,275,624, G>A. VCF-style: chr16-31275624-G-A. GRCh37 (hg19) VCF-style: chr16-31286945-G-A.
Other names: c.934G>A, p.Val312Met (NM_001145808.2); c.934G>A (NM_000632.3); short protein forms V312M.
Identifiers: ClinVar variation 1000248 (VCV001000248.8), dbSNP rs145640513, ClinGen allele CA8025385.

ClinVar aggregate classification (germline): Uncertain significance. Review status: criteria provided, multiple submitters, no conflicts (2 of 4 stars). 2 submissions from 2 submitters: Uncertain significance (2). Last evaluated 2026-01-06.

Allele frequency attached by ClinVar (database versions not stated): 1000 Genomes Project 30x 0.00016; 1000 Genomes Project 0.00020; gnomAD 0.00004 and 0.00005; gnomAD exomes 0.00007 and 0.00009; TOPMed 0.00008; ExAC 0.00012.
gnomAD v4.1: 110 of 1,613,856 alleles (0.0068%); highest among the groups gnomAD compares: Middle Eastern, 0.049%; no homozygotes.

Submissions (2):

Labcorp Genetics (formerly Invitae), Labcorp
Classification: Uncertain significance. Last evaluated: 2026-01-06. Review status: criteria provided, single submitter. Criteria: Invitae Variant Classification Sherloc (09022015). Collection method: clinical testing. Allele origin: germline.
Comment: This sequence change replaces valine, which is neutral and non-polar, with methionine, which is neutral and non-polar, at codon 312 of the ITGAM protein (p.Val312Met). This variant is present in population databases (rs145640513, gnomAD 0.02%). This variant has not been reported in the literature in individuals affected with ITGAM-related conditions. ClinVar contains an entry for this variant (Variation ID: 1000248). An algorithm developed to predict the effect of missense changes on protein structure and function (PolyPhen-2) suggests that this variant is likely to be disruptive. In summary, the available evidence is currently insufficient to determine the role of this variant in disease. Therefore, it has been classified as a Variant of Uncertain Significance.

Ambry Genetics
Classification: Uncertain significance. Last evaluated: 2023-12-27. Review status: criteria provided, single submitter. Criteria: Ambry Variant Classification Scheme 2023. Collection method: clinical testing. Allele origin: germline.